The following is an entry in ClinVar:

ClinVar aggregate classification (germline): Uncertain significance (1 of 4 stars; one submission).

Submission:

Labcorp Genetics (formerly Invitae), Labcorp
Classification: Uncertain significance. Last evaluated: 2022-02-18. Review status: criteria provided, single submitter. Criteria: Invitae Variant Classification Sherloc (09022015). Collection method: clinical testing. Allele origin: germline.
Comment: In summary, the available evidence is currently insufficient to determine the role of this variant in disease. Therefore, it has been classified as a Variant of Uncertain Significance. Algorithms developed to predict the effect of missense changes on protein structure and function are either unavailable or do not agree on the potential impact of this missense change (SIFT: "Tolerated"; PolyPhen-2: "Possibly Damaging"; Align-GVGD: "Class C0"). This variant has not been reported in the literature in individuals affected with ATF6-related conditions. This variant is not present in population databases (gnomAD no frequency). This sequence change replaces asparagine, which is neutral and polar, with histidine, which is basic and polar, at codon 283 of the ATF6 protein (p.Asn283His).

NM_007348.4(ATF6):c.847A>C (p.Asn283His)

Gene: ATF6 (activating transcription factor 6; plus strand). Cytogenetic location: 1q23.3.
Variant type: single nucleotide variant.
Coding change: c.847A>C on transcript NM_007348.4 (MANE Select); coding-DNA position 847, A replaced by C.
Protein change: p.Asn283His; replaces asparagine 283 with histidine.
Molecular consequence: missense variant.
Genome position (GRCh38, 1-based): chr1:161,802,210, A>C. VCF-style: chr1-161802210-A-C. GRCh37 (hg19) VCF-style: chr1-161772000-A-C.
Other names: c.847A>C, p.Asn283His (NM_001410890.1); short protein forms N283H.
Identifiers: ClinVar variation 2098318 (VCV002098318.3), dbSNP rs2525184151, ClinGen allele CA343388825.
Genomic context (GRCh38, chr1:161,802,210, plus strand): 5'-ACACAGCTCCCTAATCACGTGGTGAATGTGGTACCAGCCCCTTCAGCGAATAGCCCAGTG[A>C]ATGGAAAACTTTCCGTGACTAAACCTGTCCTACAAAGTACCATGAGAAATGTCGGTTCAG-3'
Protein context (NP_031374.2, residues 273-293): VPAPSANSPV[Asn283His]GKLSVTKPVL